The following is an entry in ClinVar:

NM_007272.3(CTRC):c.68C>G (p.Pro23Arg)

Gene: CTRC (chymotrypsin C; plus strand). Cytogenetic location: 1p36.21.
Variant type: single nucleotide variant.
Coding change: c.68C>G on transcript NM_007272.3 (MANE Select); coding-DNA position 68, C replaced by G.
Protein change: p.Pro23Arg; replaces proline 23 with arginine.
Molecular consequence: missense variant.
Genome position (GRCh38, 1-based): chr1:15,440,327, C>G. VCF-style: chr1-15440327-C-G. GRCh37 (hg19) VCF-style: chr1-15766823-C-G.
Other names: short protein forms P23R.
Identifiers: ClinVar variation 3498400 (VCV003498400.1).

ClinVar aggregate classification (germline): Uncertain significance (1 of 4 stars; one submission).

Conditions:
Hereditary pancreatitis (PCTT). Also called: Hereditary chronic pancreatitis; PRSS1-Related Hereditary Pancreatitis. Identifiers: Orphanet 676, MedGen C0238339, MONDO:0008185, OMIM 167800.

Submission:

Ambry Genetics
Classification: Uncertain significance for Hereditary pancreatitis. Last evaluated: 2024-08-25. Review status: criteria provided, single submitter. Criteria: Ambry Variant Classification Scheme 2023. Collection method: clinical testing. Allele origin: germline.
Comment: The p.P23R variant (also known as c.68C>G), located in coding exon 2 of the CTRC gene, results from a C to G substitution at nucleotide position 68. The proline at codon 23 is replaced by arginine, an amino acid with dissimilar properties. This amino acid position is conserved. In addition, this alteration is predicted to be tolerated by in silico analysis. Based on the available evidence, the clinical significance of this variant remains unclear.